The following is an entry in ClinVar:

NM_018896.5(CACNA1G):c.3448C>T (p.Arg1150Trp)

Gene: CACNA1G (calcium voltage-gated channel subunit alpha1 G; plus strand). Cytogenetic location: 17q21.33.
Variant type: single nucleotide variant.
Coding change: c.3448C>T on transcript NM_018896.5 (MANE Select); coding-DNA position 3448, C replaced by T.
Protein change: p.Arg1150Trp; replaces arginine 1150 with tryptophan.
Molecular consequence: missense variant. On other transcripts: non-coding transcript variant (5).
Genome position (GRCh38, 1-based): chr17:50,599,617, C>T. VCF-style: chr17-50599617-C-T. GRCh37 (hg19) VCF-style: chr17-48676978-C-T.
Other names: c.3448C>T, p.Arg1150Trp (NM_001256324.2, NM_001256325.2, NM_001256326.2 and 16 more transcripts); c.3379C>T, p.Arg1127Trp (NM_001256332.2, NM_198376.3, NM_198379.3 and 5 more transcripts); c.3448C>T (NM_018896.4); short protein forms R1127W, R1150W.
Identifiers: ClinVar variation 2300662 (VCV002300662.3), dbSNP rs774544263, ClinGen allele CA8652722.

ClinVar aggregate classification (germline): Uncertain significance (1 of 4 stars; one submission).

Conditions:
Inborn genetic diseases. Identifiers: MedGen C0950123, MeSH D030342.
Spinocerebellar ataxia 42, early-onset, severe, with neurodevelopmental deficits. Identifiers: MedGen C4748120, MONDO:0060758, OMIM 618087.
Spinocerebellar ataxia type 42. Identifiers: Orphanet 458803, MedGen C4225205, MONDO:0014776, OMIM 616795.

Allele frequency attached by ClinVar (database versions not stated): gnomAD exomes 0.00003; ExAC 0.00004; TOPMed 0.00002; gnomAD 0.00003.
gnomAD v4.1: 48 of 1,612,832 alleles (0.003%); highest among the groups gnomAD compares: Non-Finnish European, 0.0039%; no homozygotes.

Submission:

Ambry Genetics
Classification: Uncertain significance for Inborn genetic diseases. Last evaluated: 2022-07-12. Review status: criteria provided, single submitter. Criteria: Ambry Variant Classification Scheme 2023. Collection method: clinical testing. Allele origin: germline.